The following is an entry in ClinVar:

ClinVar aggregate classification (germline): Benign. Review status: criteria provided, multiple submitters, no conflicts (2 of 4 stars). 3 submissions from 3 submitters: Benign (2). 1 of the submissions does not count toward it. Last evaluated 2025-09-29.

Conditions:
GJB4-related disorder. Also called: GJB4-related condition.

Allele frequency attached by ClinVar (database versions not stated): gnomAD exomes 0.00399; ExAC 0.00484; gnomAD 0.01545 and 0.01657; 1000 Genomes Project 0.01637; TOPMed 0.01745; 1000 Genomes Project 30x 0.01780; ESP Exome Variant Server 0.01799.
gnomAD v4.1: 4,630 of 1,614,148 alleles (0.29%); highest among the groups gnomAD compares: African/African-American, 5.5%; 127 homozygotes.

Submissions (3):

Labcorp Genetics (formerly Invitae), Labcorp
Classification: Benign. Last evaluated: 2025-09-29. Review status: criteria provided, single submitter. Criteria: Invitae Variant Classification Sherloc (09022015). Collection method: clinical testing. Allele origin: germline.

Breakthrough Genomics
Classification: Benign. Review status: criteria provided, single submitter. Criteria: ACMG Guidelines, 2015. Collection method: not provided. Allele origin: germline. Inheritance: Autosomal dominant inheritance. Affected: yes.

PreventionGenetics, part of Exact Sciences
Classification: Benign for GJB4-related condition. Last evaluated: 2020-02-24. Review status: no assertion criteria provided. Collection method: clinical testing. Allele origin: germline. Not counted in ClinVar's aggregate classification.
Comment: This variant is classified as benign based on ACMG/AMP sequence variant interpretation guidelines (Richards et al. 2015 PMID: 25741868, with internal and published modifications).

NM_153212.3(GJB4):c.183C>A (p.Pro61=)

Gene: GJB4 (gap junction protein beta 4; plus strand). Cytogenetic location: 1p34.3.
Variant type: single nucleotide variant.
Coding change: c.183C>A on transcript NM_153212.3 (MANE Select); coding-DNA position 183, C replaced by A.
Protein change: p.Pro61=; no amino-acid change (proline 61 retained).
Molecular consequence: synonymous variant.
Genome position (GRCh38, 1-based): chr1:34,761,437, C>A. VCF-style: chr1-34761437-C-A. GRCh37 (hg19) VCF-style: chr1-35227038-C-A.
Identifiers: ClinVar variation 791789 (VCV000791789.12), dbSNP rs75121921, ClinGen allele CA754500.